The following continues an entry in ClinVar:

NM_004360.5(CDH1):c.2245C>T (p.Arg749Trp)

Gene: CDH1. ClinVar aggregate classification (germline): Uncertain significance. Uncertain significance (1).

Submissions 10 to 12 of 12:

GeneDx
Classification: Uncertain significance. Last evaluated: 2018-04-25. Review status: criteria provided, single submitter. Criteria: GeneDx Variant Classification (06012015). Collection method: clinical testing. Allele origin: germline. Affected: yes. Not counted in ClinVar's aggregate classification.
Comment: This variant is denoted CDH1 c.2245C>T at the cDNA level, p.Arg749Trp (R749W) at the protein level, and results in the change of an Arginine to a Tryptophan (CGG>TGG). This variant has been suggested in several in vitro based assays to result in reduced E-cadherin surface expression and cell-cell adhesion, as well as increased cell motility and invasion compared to wild type controls (Kaurah 2007, Simoes-Correia 2008, Mateus 2009, Figueiredo 2013). While CDH1 Arg749Trp has also been observed in a family with three cases of gastric cancer, two of which are reported as diffuse gastric cancer, segregation analysis was not completed (Kaurah 2007). CDH1 Arg749Trp was not observed in large population cohorts. Since Arginine and Tryptophan differ in polarity, charge, size or other properties, this is considered a non-conservative amino acid substitution. CDH1 Arg749Trp is located in the cytoplasmic domain and Hakai p120-catenin binding regions (Figueiredo 2013). In silico analysis, which includes protein predictors and evolutionary conservation, supports a deleterious effect. While there are in vitro functional assays suggesting pathogenicity, internal observations at this laboratory and other clinical laboratories are not suggestive of hereditary diffuse gastric cancer. Based on currently available evidence, it is unclear whether CDH1 Arg749Trp is a pathogenic or benign variant. We consider it to be a variant of uncertain significance.

Counsyl
Classification: Uncertain significance for Hereditary diffuse gastric adenocarcinoma. Last evaluated: 2018-02-16. Review status: no assertion criteria provided. Collection method: clinical testing. Allele origin: unknown. Not counted in ClinVar's aggregate classification.

Department of Pathology and Laboratory Medicine, Sinai Health System
Classification: Uncertain significance for Malignant tumor of breast. Review status: no assertion criteria provided. Collection method: clinical testing. Allele origin: unknown. Affected: yes. Observed: 1 variant allele. Study: The Canadian Open Genetics Repository (COGR). Not counted in ClinVar's aggregate classification.
Comment: The CDH1 p.Arg749Trp variant was identified in 1 of 76 proband chromosomes (frequency: 0.013) from individuals or families with Diffuse Gastric Cancer, the family included 2 cases of diffuse gastric cancer and one case of breast cancer however segregation analysis was not reported (Kaurah 2007). The variant was also identified in dbSNP (ID: rs776975632) as With Uncertain significance allele, in ClinVar and Clinvitae (classified as uncertain significance by GeneDx), Insight Colon Cancer Gene Variant Database, and the Zhejiang Colon Cancer database. GeneDx reports that the variant was observed in patients with phenotypes that are not suggestive of Hereditary Diffuse Gastric Cancer (ClinVar). The variant was not identified in the Cosmic or MutDB, databases. The variant was not identified in the 1000 Genomes Project, the NHLBI GO Exome Sequencing Project or the Exome Aggregation Consortium (August 8th 2016) control databases. Several in vitro functional studies were identified on this variant that suggests that the variant is pathogenic. Multiple studies have displayed that the variant reduces the level of E-cadherin found at the cell membrane and retained the protein in the endoplasmic reticulum (Simoes-Correia 2008, Mateus 2009, Figueiredo 2013, Sanches 2015). One study displayed that the variant produces low total and surface E-cadherin expression, despite the normal RNA levels, because the variant reduces binding of E-cadherin to B-catenin increasing the likelihood of degradation due to ubiquitination (Figueiredo 2013). Kaurah et al. (2007) expressed the c.2245C>T variant in CHO cells and displayed that the variant failed to cause cell aggregation that the wildtype E-cadherin causes and the variant increased the invasion of E-cadherin into collagen matrices at significantly higher rates than wildtype. Additional groups have also displayed increased cell motility due to the c.2245C>T variant (Mateus 2009, Mestre 2016). The p.Arg749 residue is conserved across mammals and other organisms, and computational analyses (PolyPhen-2, SIFT, AlignGVGD, BLOSUM, MutationTaster) suggest that the variant may impact the protein; however, this information is not predictive enough to assume pathogenicity. The variant occurs outside of the splicing consensus sequence and 1 of 5 in silico or computational prediction software programs (SpliceSiteFinder, MaxEntScan, NNSPLICE, GeneSplicer, HumanSpliceFinder) predict a greater than 10% difference in splicing; this is not very predictive of pathogenicity. In summary, based on the above information the clinical significance of this variant cannot be determined with certainty at this time. This variant is classified as a variant of uncertain significance.

Literature cited by the submitters: PubMed 17545690 (cited by 4 submitters); PubMed 18772194 (cited by Labcorp Genetics (formerly Invitae), Labcorp); PubMed 19268661 (cited by 4 submitters); PubMed 22850631 (cited by 4 submitters); PubMed 25388006 (cited by 3 submitters); PubMed 34486077 (cited by Labcorp Genetics (formerly Invitae), Labcorp); PubMed 19725995 (cited by Ambry Genetics); PubMed 21853084 (cited by Ambry Genetics); PubMed 27151223 (cited by Ambry Genetics).